The following is an entry in ClinVar:

NM_000307.5(POU3F4):c.607_610dup (p.Arg204fs)

Gene: POU3F4 (POU class 3 homeobox 4; plus strand). Cytogenetic location: Xq21.1.
Variant type: Microsatellite.
Coding change: c.607_610dup on transcript NM_000307.5 (MANE Select); coding-DNA positions 607 to 610, 4 bases duplicated (CAAA; older notation c.607_610dupCAAA).
Protein change: p.Arg204fs; shifts the reading frame from arginine 204.
Molecular consequence: frameshift variant.
Genome position (GRCh38, 1-based): chrX:83,508,931-83,508,934, CAAA duplicated; duplicating any 4 consecutive bases within chrX:83,508,927-83,508,934 gives the same sequence; the c. name uses the placement nearest the transcript's 3' end. VCF-style (leftmost placement, unchanged base first): chrX-83508926-T-TCAAA. GRCh37 (hg19) VCF-style: chrX-82763934-T-TCAAA.
Other names: short protein forms R204fs.
Identifiers: ClinVar variation 2505306 (VCV002505306.1), dbSNP rs876657719, ClinGen allele CA2695197165.

ClinVar aggregate classification (germline): Pathogenic (0 of 4 stars; one submission).

Conditions:
X-linked mixed hearing loss with perilymphatic gusher. Also called: NANCE DEAFNESS; PERILYMPHATIC GUSHER-DEAFNESS SYNDROME; SENSORINEURAL DEAFNESS, PROFOUND, WITH OR WITHOUT A CONDUCTIVE COMPONENT, ASSOCIATED WITH A UNIQUE DEVELOPMENTAL ABNORMALITY OF THE EAR; Deafness, X-linked 2; Gusher syndrome. Identifiers: Orphanet 383, MedGen C1844678, MONDO:0010576, OMIM 304400.

Submission:

Laboratory of Molecular Genetics, Montpellier University Hospital
Classification: Pathogenic for X-linked mixed hearing loss with perilymphatic gusher. Last evaluated: 2023-05-25. Review status: no assertion criteria provided. Collection method: clinical testing. Allele origin: de novo. Affected: yes.